The following is an entry in ClinVar:

NM_130468.4(CHST14):c.933G>C (p.Glu311Asp)

Gene: CHST14 (carbohydrate sulfotransferase 14; plus strand). Cytogenetic location: 15q15.1.
Variant type: single nucleotide variant.
Coding change: c.933G>C on transcript NM_130468.4 (MANE Select); coding-DNA position 933, G replaced by C.
Protein change: p.Glu311Asp; replaces glutamic acid 311 with aspartic acid.
Molecular consequence: missense variant.
Genome position (GRCh38, 1-based): chr15:40,472,146, G>C. VCF-style: chr15-40472146-G-C. GRCh37 (hg19) VCF-style: chr15-40764345-G-C.
Other names: short protein forms E311D.
Identifiers: ClinVar variation 1445824 (VCV001445824.12), dbSNP rs927457735, ClinGen allele CA268822916.

ClinVar aggregate classification (germline): Uncertain significance. Review status: criteria provided, multiple submitters, no conflicts (2 of 4 stars). 4 submissions from 4 submitters: Uncertain significance (4). Last evaluated 2025-06-09.

Conditions:
Cardiovascular phenotype. Identifiers: MedGen CN230736.
Ehlers-Danlos syndrome, musculocontractural type 1. Identifiers: MedGen CN295219, MONDO:0020681, OMIM 601776.
Ehlers-Danlos syndrome, musculocontractural type (EDSMC). Also called: DUNDAR SYNDROME; ARTHROGRYPOSIS, DISTAL, WITH PECULIAR FACIES AND HYDRONEPHROSIS; Adducted thumb, clubfoot, progressive joint and skin laxity syndrome; ADDUCTED THUMB-CLUBFOOT SYNDROME. Identifiers: Orphanet 2953, MedGen C1866294, MONDO:0011142.

Allele frequency attached by ClinVar (database versions not stated): TOPMed 0.00001; gnomAD 0.00003 and 0.00004.
gnomAD v4.1: 6 of 1,614,052 alleles (0.00037%); highest among the groups gnomAD compares: Admixed American, 0.0083%; no homozygotes.

Submissions (4):

Ambry Genetics
Classification: Uncertain significance for Cardiovascular phenotype. Last evaluated: 2025-06-09. Review status: criteria provided, single submitter. Criteria: Ambry Variant Classification Scheme 2023. Collection method: clinical testing. Allele origin: germline.
Comment: The p.E311D variant (also known as c.933G>C), located in coding exon 1 of the CHST14 gene, results from a G to C substitution at nucleotide position 933. The glutamic acid at codon 311 is replaced by aspartic acid, an amino acid with highly similar properties. This amino acid position is well conserved in available vertebrate species. In addition, this alteration is predicted to be tolerated by in silico analysis. Since supporting evidence is limited at this time, the clinical significance of this alteration remains unclear.

Blueprint Genetics
Classification: Uncertain significance. Last evaluated: 2024-10-08. Review status: criteria provided, single submitter. Criteria: ACMG Guidelines, 2015. Collection method: clinical testing. Allele origin: germline.

Revvity Omics, Revvity
Classification: Uncertain significance for Ehlers-Danlos syndrome, musculocontractural type 1. Last evaluated: 2022-03-11. Review status: criteria provided, single submitter. Criteria: ACMG Guidelines, 2015. Collection method: clinical testing. Allele origin: germline.

Labcorp Genetics (formerly Invitae), Labcorp
Classification: Uncertain significance for Ehlers-Danlos syndrome, musculocontractural type. Last evaluated: 2021-09-17. Review status: criteria provided, single submitter. Criteria: Invitae Variant Classification Sherloc (09022015). Collection method: clinical testing. Allele origin: germline.
Comment: This sequence change replaces glutamic acid with aspartic acid at codon 311 of the CHST14 protein (p.Glu311Asp). The glutamic acid residue is moderately conserved and there is a small physicochemical difference between glutamic acid and aspartic acid. This variant is not present in population databases (ExAC no frequency). This variant has not been reported in the literature in individuals affected with CHST14-related conditions. Algorithms developed to predict the effect of missense changes on protein structure and function are either unavailable or do not agree on the potential impact of this missense change (SIFT: "Tolerated"; PolyPhen-2: "Possibly Damaging"; Align-GVGD: "Class C0"). In summary, the available evidence is currently insufficient to determine the role of this variant in disease. Therefore, it has been classified as a Variant of Uncertain Significance.